The following is an entry in ClinVar:

NM_001128840.3(CACNA1D):c.2751+14G>T

Gene: CACNA1D (calcium voltage-gated channel subunit alpha1 D; plus strand). Cytogenetic location: 3p21.1.
Variant type: single nucleotide variant.
Coding change: c.2751+14G>T on transcript NM_001128840.3 (MANE Select); 14 bases into the intron after coding-DNA position 2751, G replaced by T.
Molecular consequence: intron variant.
Genome position (GRCh38, 1-based): chr3:53,735,517, G>T. VCF-style: chr3-53735517-G-T. GRCh37 (hg19) VCF-style: chr3-53769544-G-T.
Other names: c.2751+14G>T (NM_001128839.3); c.2811+14G>T (NM_000720.4).
Identifiers: ClinVar variation 1050254 (VCV001050254.4), dbSNP rs748663117, ClinGen allele CA2454337.

ClinVar aggregate classification (germline): Likely benign. Review status: criteria provided, single submitter (1 of 4 stars). 2 submissions from 2 submitters: Likely benign (1). 1 of the submissions does not count toward it. Last evaluated 2023-10-22.

gnomAD v4.1: 2 of 1,613,676 alleles (0.00012%); highest among the groups gnomAD compares: Non-Finnish European, 0.000085%; no homozygotes.

Submissions (2):

Labcorp Genetics (formerly Invitae), Labcorp
Classification: Likely benign. Last evaluated: 2023-10-22. Review status: criteria provided, single submitter. Criteria: Invitae Variant Classification Sherloc (09022015). Collection method: clinical testing. Allele origin: germline.

Department of Pathology and Laboratory Medicine, Sinai Health System
Classification: Uncertain significance. Review status: no assertion criteria provided. Collection method: clinical testing. Allele origin: unknown. Affected: yes. Study: The Canadian Open Genetics Repository (COGR). Not counted in ClinVar's aggregate classification.
Comment: The CACNA1D c.2751+14G>T variant was not identified in the literature nor was it identified in ClinVar. The variant was identified in dbSNP (ID: rs748663117) and in control databases in 1 of 250860 chromosomes at a frequency of 0.000003986 (Genome Aggregation Database March 6, 2019, v2.1.1). The variant was observed in the South Asian population in 1 of 30614 chromosomes (freq: 0.000033), but was not observed in the African, Latino, Ashkenazi Jewish, East Asian, European (Finnish), European (non-Finnish), or Other populations. The variant is not expected to have clinical significance because it does not result in a change of amino acid and is not located in a known consensus splice site. However, 3 of 4 in silico or computational prediction software programs (SpliceSiteFinder, MaxEntScan, NNSPLICE, GeneSplicer) predict a greater than 10% difference in splicing. However, this information is not predictive enough to assume pathogenicity. In summary, based on the above information the clinical significance of this variant cannot be determined with certainty at this time. This variant is classified as a variant of uncertain significance.